The following is an entry in ClinVar:

ClinVar aggregate classification (germline): Uncertain significance (1 of 4 stars; one submission).

Conditions:
Mucopolysaccharidosis, MPS-II (MPS2). Also called: Mucopolysaccharidosis with skin involvement; IDS deficiency; Sulfoiduronate sulfatase deficiency; SIDS deficiency; Attenuated MPS (subtype; formerly known as mild MPS II); Severe MPS II. Identifiers: Orphanet 580, Orphanet 79388, MedGen C0026705, MONDO:0010674, OMIM 309900.

Allele frequency attached by ClinVar (database versions not stated): ExAC 0.00001; TOPMed 0.00001; ESP Exome Variant Server 0.00009.

Submission:

Labcorp Genetics (formerly Invitae), Labcorp
Classification: Uncertain significance for Mucopolysaccharidosis, MPS-II. Last evaluated: 2022-04-24. Review status: criteria provided, single submitter. Criteria: Invitae Variant Classification Sherloc (09022015). Collection method: clinical testing. Allele origin: germline.
Comment: This sequence change replaces alanine, which is neutral and non-polar, with valine, which is neutral and non-polar, at codon 278 of the IDS protein (p.Ala278Val). This variant is not present in population databases (gnomAD no frequency). This variant has not been reported in the literature in individuals affected with IDS-related conditions. Advanced modeling of protein sequence and biophysical properties (such as structural, functional, and spatial information, amino acid conservation, physicochemical variation, residue mobility, and thermodynamic stability) performed at Invitae indicates that this missense variant is expected to disrupt IDS protein function. In summary, the available evidence is currently insufficient to determine the role of this variant in disease. Therefore, it has been classified as a Variant of Uncertain Significance.

NM_000202.8(IDS):c.833C>T (p.Ala278Val)

Genes: IDS (iduronate 2-sulfatase; minus strand), LOC106050102 (IDS recombination region; plus strand). Cytogenetic location: Xq28.
Variant type: single nucleotide variant.
Coding change: c.833C>T on transcript NM_000202.8 (MANE Select); coding-DNA position 833, C replaced by T.
Protein change: p.Ala278Val; replaces alanine 278 with valine.
Molecular consequence: missense variant. On other transcripts: non-coding transcript variant (1).
Genome position (GRCh38, 1-based): chrX:149,496,392, G>A on the plus strand (C>T on the coding strand, the complement: IDS is on the minus strand). VCF-style: chrX-149496392-G-A. GRCh37 (hg19) VCF-style: chrX-148577923-G-A.
Other names: c.563C>T, p.Ala188Val (NM_001166550.4); c.833C>T, p.Ala278Val (NM_006123.5); short protein forms A278V, A188V.
Identifiers: ClinVar variation 1952081 (VCV001952081.2), dbSNP rs369592694, ClinGen allele CA10537592.